The following is an entry in ClinVar:

ClinVar aggregate classification (germline): Benign/Likely benign. Review status: criteria provided, multiple submitters, no conflicts (2 of 4 stars). 3 submissions from 3 submitters: Benign (1); Likely benign (1). 1 of the submissions does not count toward it. Last evaluated 2026-01-14.

Conditions:
GCM2-related disorder. Also called: GCM2-related condition.

Allele frequency attached by ClinVar (database versions not stated): gnomAD exomes 0.00085; ExAC 0.00102; ESP Exome Variant Server 0.00346; gnomAD 0.00354 and 0.00381; 1000 Genomes Project 0.00379; 1000 Genomes Project 30x 0.00390; TOPMed 0.00402.
gnomAD v4.1: 1,001 of 1,601,838 alleles (0.062%); highest among the groups gnomAD compares: African/African-American, 1.2%; 5 homozygotes.

Submissions (3):

Labcorp Genetics (formerly Invitae), Labcorp
Classification: Benign. Last evaluated: 2026-01-14. Review status: criteria provided, single submitter. Criteria: Invitae Variant Classification Sherloc (09022015). Collection method: clinical testing. Allele origin: germline.

Blueprint Genetics
Classification: Likely benign. Last evaluated: 2024-08-28. Review status: criteria provided, single submitter. Criteria: ACMG Guidelines, 2015. Collection method: clinical testing. Allele origin: germline.

PreventionGenetics, part of Exact Sciences
Classification: Benign for GCM2-related condition. Last evaluated: 2019-08-02. Review status: no assertion criteria provided. Collection method: clinical testing. Allele origin: germline. Not counted in ClinVar's aggregate classification.
Comment: This variant is classified as benign based on ACMG/AMP sequence variant interpretation guidelines (Richards et al. 2015 PMID: 25741868, with internal and published modifications).

NM_004752.4(GCM2):c.350C>T (p.Ala117Val)

Gene: GCM2 (GCM transcription factor 2; minus strand). Cytogenetic location: 6p24.2.
Variant type: single nucleotide variant.
Coding change: c.350C>T on transcript NM_004752.4 (MANE Select); coding-DNA position 350, C replaced by T.
Protein change: p.Ala117Val; replaces alanine 117 with valine.
Molecular consequence: missense variant.
Genome position (GRCh38, 1-based): chr6:10,876,551, G>A on the plus strand (C>T on the coding strand, the complement: GCM2 is on the minus strand). VCF-style: chr6-10876551-G-A. GRCh37 (hg19) VCF-style: chr6-10876784-G-A.
Other names: short protein forms A117V.
Identifiers: ClinVar variation 708912 (VCV000708912.12), dbSNP rs35786951, ClinGen allele CA3634094.